The following is an entry in ClinVar:

NM_000452.3(SLC10A2):c.599C>T (p.Ala200Val)

Gene: SLC10A2 (solute carrier family 10 member 2; minus strand). Cytogenetic location: 13q33.1.
Variant type: single nucleotide variant.
Coding change: c.599C>T on transcript NM_000452.3 (MANE Select); coding-DNA position 599, C replaced by T.
Protein change: p.Ala200Val; replaces alanine 200 with valine.
Molecular consequence: missense variant.
Genome position (GRCh38, 1-based): chr13:103,051,419, G>A on the plus strand (C>T on the coding strand, the complement: SLC10A2 is on the minus strand). VCF-style: chr13-103051419-G-A. GRCh37 (hg19) VCF-style: chr13-103703769-G-A.
Other names: short protein forms A200V.
Identifiers: ClinVar variation 2967107 (VCV002967107.3), dbSNP rs148415870, ClinGen allele CA7042115.
Genomic context (GRCh38, chr13:103,051,419, plus strand): 5'-CAGGCGCTTTGGTACAATATTCCTCCAACCACAGCTATGAGCACAATGAGGATGGCGCCC[G>A]CGATGGACCCAATCTGAAAAAAAAAGGAATAAGTGAACCCAGCAATCATGAGTCAAAGCA-3'
Protein context (NP_000443.2, residues 190-210): AKIILKIGSI[Ala200Val]GAILIVLIAV

ClinVar aggregate classification (germline): Uncertain significance (1 of 4 stars; one submission).

Allele frequency attached by ClinVar (database versions not stated): ExAC 0.00002.
gnomAD v4.1: 52 of 1,613,748 alleles (0.0032%); highest among the groups gnomAD compares: Middle Eastern, 0.016%; no homozygotes.

Submission:

Labcorp Genetics (formerly Invitae), Labcorp
Classification: Uncertain significance. Last evaluated: 2026-01-26. Review status: criteria provided, single submitter. Criteria: Invitae Variant Classification Sherloc (09022015). Collection method: clinical testing. Allele origin: germline.
Comment: This sequence change replaces alanine, which is neutral and non-polar, with valine, which is neutral and non-polar, at codon 200 of the SLC10A2 protein (p.Ala200Val). This variant is present in population databases (rs148415870, gnomAD 0.04%). This variant has not been reported in the literature in individuals affected with SLC10A2-related conditions. ClinVar contains an entry for this variant (Variation ID: 2967107). Invitae Evidence Modeling of protein sequence and biophysical properties (such as structural, functional, and spatial information, amino acid conservation, physicochemical variation, residue mobility, and thermodynamic stability) indicates that this missense variant is not expected to disrupt SLC10A2 protein function with a negative predictive value of 80%. In summary, the available evidence is currently insufficient to determine the role of this variant in disease. Therefore, it has been classified as a Variant of Uncertain Significance.